The following is an entry in ClinVar:

ClinVar aggregate classification (germline): Uncertain significance (1 of 4 stars; one submission).

Conditions:
Baller-Gerold syndrome (BGS). Also called: CRANIOSYNOSTOSIS WITH RADIAL DEFECTS. Identifiers: Orphanet 1225, MedGen C0265308, MONDO:0009039, OMIM 218600.

Submission:

Labcorp Genetics (formerly Invitae), Labcorp
Classification: Uncertain significance for Baller-Gerold syndrome. Last evaluated: 2021-10-01. Review status: criteria provided, single submitter. Criteria: Invitae Variant Classification Sherloc (09022015). Collection method: clinical testing. Allele origin: germline.
Comment: In summary, the available evidence is currently insufficient to determine the role of this variant in disease. Therefore, it has been classified as a Variant of Uncertain Significance. Experimental studies and prediction algorithms are not available or were not evaluated, and the functional significance of this variant is currently unknown. This variant has not been reported in the literature in individuals affected with RECQL4-related conditions. This variant is not present in population databases (ExAC no frequency). This sequence change replaces glutamine with glutamic acid at codon 309 of the RECQL4 protein (p.Gln309Glu). The glutamine residue is moderately conserved and there is a small physicochemical difference between glutamine and glutamic acid.

NM_004260.4(RECQL4):c.925C>G (p.Gln309Glu)

Gene: RECQL4 (RecQ like helicase 4; minus strand). Cytogenetic location: 8q24.3.
Variant type: single nucleotide variant.
Coding change: c.925C>G on transcript NM_004260.4 (MANE Select); coding-DNA position 925, C replaced by G.
Protein change: p.Gln309Glu; replaces glutamine 309 with glutamic acid.
Molecular consequence: missense variant.
Genome position (GRCh38, 1-based): chr8:144,516,194, G>C on the plus strand (C>G on the coding strand, the complement: RECQL4 is on the minus strand). VCF-style: chr8-144516194-G-C. GRCh37 (hg19) VCF-style: chr8-145741578-G-C.
Other names: short protein forms Q309E.
Identifiers: ClinVar variation 1493709 (VCV001493709.6), dbSNP rs1554902528, ClinGen allele CA372688651.